The following is an entry in ClinVar:

NM_181712.5(KANK4):c.1412G>A (p.Arg471His)

Gene: KANK4 (KN motif and ankyrin repeat domains 4; minus strand). Cytogenetic location: 1p31.3.
Variant type: single nucleotide variant.
Coding change: c.1412G>A on transcript NM_181712.5 (MANE Select); coding-DNA position 1412, G replaced by A.
Protein change: p.Arg471His; replaces arginine 471 with histidine.
Molecular consequence: missense variant. On other transcripts: intron variant (1).
Genome position (GRCh38, 1-based): chr1:62,273,692, C>T on the plus strand (G>A on the coding strand, the complement: KANK4 is on the minus strand). VCF-style: chr1-62273692-C-T. GRCh37 (hg19) VCF-style: chr1-62739364-C-T.
Other names: c.17-2103G>A (NM_001320269.2); short protein forms R471H.
Identifiers: ClinVar variation 3718977 (VCV003718977.2).

ClinVar aggregate classification (germline): Uncertain significance (1 of 4 stars; one submission).

gnomAD v4.1: 28 of 1,614,016 alleles (0.0017%); highest among the groups gnomAD compares: South Asian, 0.0066%; no homozygotes.

Submission:

Labcorp Genetics (formerly Invitae), Labcorp
Classification: Uncertain significance. Last evaluated: 2024-09-22. Review status: criteria provided, single submitter. Criteria: Invitae Variant Classification Sherloc (09022015). Collection method: clinical testing. Allele origin: germline.
Comment: This sequence change replaces arginine, which is basic and polar, with histidine, which is basic and polar, at codon 471 of the KANK4 protein (p.Arg471His). This variant is present in population databases (rs749428629, gnomAD 0.003%). This variant has not been reported in the literature in individuals affected with KANK4-related conditions. An algorithm developed to predict the effect of missense changes on protein structure and function outputs the following: PolyPhen-2: "Benign". The histidine amino acid residue is found in multiple mammalian species, which suggests that this missense change does not adversely affect protein function. In summary, the available evidence is currently insufficient to determine the role of this variant in disease. Therefore, it has been classified as a Variant of Uncertain Significance.